The following is an entry in ClinVar:

NM_000098.3(CPT2):c.1273_1274del (p.Thr425fs)

Gene: CPT2 (carnitine palmitoyltransferase 2; plus strand). Cytogenetic location: 1p32.3.
Variant type: Deletion.
Coding change: c.1273_1274del on transcript NM_000098.3 (MANE Select); coding-DNA positions 1273 to 1274, 2 bases deleted (AC; older notation c.1273_1274delAC).
Protein change: p.Thr425fs; shifts the reading frame from threonine 425.
Molecular consequence: frameshift variant.
Genome position (GRCh38, 1-based): chr1:53,210,947-53,210,948, AC deleted. VCF-style (leftmost placement, unchanged base first): chr1-53210946-GAC-G. GRCh37 (hg19) VCF-style: chr1-53676618-GAC-G.
Other names: c.1273_1274del, p.Thr425fs (NM_001330589.2); short protein forms T425fs.
Identifiers: ClinVar variation 2733898 (VCV002733898.4), dbSNP rs2525589787, ClinGen allele CA2586966681.
Genomic context (GRCh38, chr1:53,210,946, plus strand): 5'-TACCACTGACTCTACTGTCACGGTGCAGAAACTCAACTTCGAGCTGACTGATGCCTTAAA[GAC>G]TGGCATCACAGCTGCTAAGGAAAAGTTTGATGCCACCATGAAAACCCTCACTATTGACTG-3'

ClinVar aggregate classification (germline): Pathogenic. Review status: criteria provided, multiple submitters, no conflicts (2 of 4 stars). 2 submissions from 2 submitters: Pathogenic (2). Last evaluated 2023-11-26.

Conditions:
Carnitine palmitoyltransferase II deficiency. Also called: Carnitine Palmitoyltransferase 2 Deficiency. Identifiers: Orphanet 157, MedGen C0342790, MONDO:0015515.
Encephalopathy, acute, infection-induced, susceptibility to, 4. Identifiers: Orphanet 263524, MedGen C3280160, MONDO:0013633, OMIM 614212.

Submissions (2):

Baylor Genetics
Classification: Pathogenic for Encephalopathy, acute, infection-induced, susceptibility to, 4. Last evaluated: 2023-11-26. Review status: criteria provided, single submitter. Criteria: ACMG Guidelines, 2015. Collection method: clinical testing. Allele origin: unknown.

Labcorp Genetics (formerly Invitae), Labcorp
Classification: Pathogenic for Carnitine palmitoyltransferase II deficiency. Last evaluated: 2023-11-10. Review status: criteria provided, single submitter. Criteria: Invitae Variant Classification Sherloc (09022015). Collection method: clinical testing. Allele origin: germline.
Comment: This sequence change creates a premature translational stop signal (p.Thr425Trpfs*6) in the CPT2 gene. It is expected to result in an absent or disrupted protein product. Loss-of-function variants in CPT2 are known to be pathogenic (PMID: 16781677, 16996287). This variant is not present in population databases (gnomAD no frequency). This premature translational stop signal has been observed in individual(s) with carnitine palmitoyltransferase II deficiency (PMID: 16996287). For these reasons, this variant has been classified as Pathogenic.

Literature cited by the submitters: PubMed 16781677 (cited by Labcorp Genetics (formerly Invitae), Labcorp); PubMed 16996287 (cited by Labcorp Genetics (formerly Invitae), Labcorp).